The following is an entry in ClinVar:

NM_000257.4(MYH7):c.2707G>C (p.Glu903Gln)

Gene: MYH7 (myosin heavy chain 7; minus strand). Cytogenetic location: 14q11.2.
Variant type: single nucleotide variant.
Coding change: c.2707G>C on transcript NM_000257.4 (MANE Select); coding-DNA position 2707, G replaced by C.
Protein change: p.Glu903Gln; replaces glutamic acid 903 with glutamine.
Molecular consequence: missense variant.
Genome position (GRCh38, 1-based): chr14:23,424,122, C>G on the plus strand (G>C on the coding strand, the complement: MYH7 is on the minus strand). VCF-style: chr14-23424122-C-G. GRCh37 (hg19) VCF-style: chr14-23893331-C-G.
Other names: short protein forms E903Q.
Identifiers: ClinVar variation 939396 (VCV000939396.9), dbSNP rs730880756, ClinGen allele CA389047321.

ClinVar aggregate classification (germline): Pathogenic (1 of 4 stars; one submission).

Conditions:
Hypertrophic cardiomyopathy. Also called: HYPERTROPHIC MYOCARDIOPATHY. Identifiers: Orphanet 217569, MedGen C0007194, MeSH D002312, MONDO:0005045, HP:0001639.

Submission:

Labcorp Genetics (formerly Invitae), Labcorp
Classification: Pathogenic for Hypertrophic cardiomyopathy. Last evaluated: 2022-11-29. Review status: criteria provided, single submitter. Criteria: Invitae Variant Classification Sherloc (09022015). Collection method: clinical testing. Allele origin: germline.
Comment: For these reasons, this variant has been classified as Pathogenic. Advanced modeling of protein sequence and biophysical properties (such as structural, functional, and spatial information, amino acid conservation, physicochemical variation, residue mobility, and thermodynamic stability) performed at Invitae indicates that this missense variant is expected to disrupt MYH7 protein function. ClinVar contains an entry for this variant (Variation ID: 939396). This missense change has been observed in individuals with hypertrophic cardiomyopathy (PMID: 19808356, 25524337, 27247418, 27532257, 34555931). This variant is not present in population databases (gnomAD no frequency). This sequence change replaces glutamic acid, which is acidic and polar, with glutamine, which is neutral and polar, at codon 903 of the MYH7 protein (p.Glu903Gln).

Literature cited by the submitters: PubMed 19808356; PubMed 25524337; PubMed 27247418; PubMed 27532257; PubMed 34555931.